The following is an entry in ClinVar:

NM_005502.4(ABCA1):c.670G>A (p.Ala224Thr)

Gene: ABCA1 (ATP binding cassette subfamily A member 1; minus strand). Cytogenetic location: 9q31.1.
Variant type: single nucleotide variant.
Coding change: c.670G>A on transcript NM_005502.4 (MANE Select); coding-DNA position 670, G replaced by A.
Protein change: p.Ala224Thr; replaces alanine 224 with threonine.
Molecular consequence: missense variant.
Genome position (GRCh38, 1-based): chr9:104,858,572, C>T on the plus strand (G>A on the coding strand, the complement: ABCA1 is on the minus strand). VCF-style: chr9-104858572-C-T. GRCh37 (hg19) VCF-style: chr9-107620853-C-T.
Other names: short protein forms A224T.
Identifiers: ClinVar variation 4234883 (VCV004234883.1).
Genomic context (GRCh38, chr9:104,858,572, plus strand): 5'-GTCTACTCACCAGGATTGGCTTCAGGATGTCCATGTTGGAACGAAGTACTCGCTCTGCTG[C>T]AGCCAGTTTCTCCCTTGGTAGGCCACAAAGCTCAGAAACTTCTTGGTCACCAAGTTGAAT-3'
Protein context (NP_005493.2, residues 214-234): LCGLPREKLA[Ala224Thr]AERVLRSNMD

ClinVar aggregate classification (germline): Uncertain significance (1 of 4 stars; one submission).

Conditions:
Cardiovascular phenotype. Identifiers: MedGen CN230736.

gnomAD v4.1: 8 of 1,614,204 alleles (0.0005%); highest among the groups gnomAD compares: Non-Finnish European, 0.00059%; no homozygotes.

Submission:

Ambry Genetics
Classification: Uncertain significance for Cardiovascular phenotype. Last evaluated: 2025-07-21. Review status: criteria provided, single submitter. Criteria: Ambry Variant Classification Scheme 2023. Collection method: clinical testing. Allele origin: germline.
Comment: The p.A224T variant (also known as c.670G>A), located in coding exon 6 of the ABCA1 gene, results from a G to A substitution at nucleotide position 670. The alanine at codon 224 is replaced by threonine, an amino acid with similar properties. This amino acid position is conserved. In addition, this alteration is predicted to be tolerated by in silico analysis. Based on the available evidence, the clinical significance of this variant remains unclear.